The following is an entry in ClinVar:

ClinVar aggregate classification (germline): Uncertain significance (1 of 4 stars; one submission).

Conditions:
Ehlers-Danlos syndrome, type 4 (EDSVASC). Also called: Ehlers-Danlos Syndrome Type IV; Ehlers-Danlos syndrome vascular type; Ehlers Danlos syndrome, ecchymotic type; Ehlers Danlos syndrome, arterial type; Ehlers Danlos syndrome, Sack-Barabas type. Identifiers: Orphanet 286, MedGen C0268338, MONDO:0017314, OMIM 130050.

Allele frequency attached by ClinVar (database versions not stated): ExAC 0.00001; gnomAD exomes 0.00001; TOPMed 0.00002.
gnomAD v4.1: 8 of 1,612,314 alleles (0.0005%); highest among the groups gnomAD compares: Admixed American, 0.012%; no homozygotes.

Submission:

All of Us Research Program, National Institutes of Health
Classification: Uncertain significance for Ehlers-Danlos syndrome, type 4. Last evaluated: 2023-03-28. Review status: criteria provided, single submitter. Criteria: ACMG Guidelines, 2015. Collection method: clinical testing. Allele origin: germline. Inheritance: Autosomal dominant inheritance. Observed: 1 variant allele, 1 heterozygote.
Comment: This study involves interpretation of variants in research participants for the purpose of population health screening. Participant phenotype was not available at the time of variant classification. Additional details can be found in publication PMID: 35346344, PMCID: PMC8962531

NM_000090.4(COL3A1):c.286A>G (p.Thr96Ala)

Gene: COL3A1 (collagen type III alpha 1 chain; plus strand). Cytogenetic location: 2q32.2.
Variant type: single nucleotide variant.
Coding change: c.286A>G on transcript NM_000090.4 (MANE Select); coding-DNA position 286, A replaced by G.
Protein change: p.Thr96Ala; replaces threonine 96 with alanine.
Molecular consequence: missense variant.
Genome position (GRCh38, 1-based): chr2:188,985,200, A>G. VCF-style: chr2-188985200-A-G. GRCh37 (hg19) VCF-style: chr2-189849926-A-G.
Other names: short protein forms T96A.
Identifiers: ClinVar variation 3070015 (VCV003070015.1), dbSNP rs747012044, ClinGen allele CA075686.